The following is an entry in ClinVar:

NM_004304.5(ALK):c.4609G>A (p.Gly1537Arg)

Gene: ALK (ALK receptor tyrosine kinase; minus strand). Cytogenetic location: 2p23.2.
Variant type: single nucleotide variant.
Coding change: c.4609G>A on transcript NM_004304.5 (MANE Select); coding-DNA position 4609, G replaced by A.
Protein change: p.Gly1537Arg; replaces glycine 1537 with arginine.
Molecular consequence: missense variant.
Genome position (GRCh38, 1-based): chr2:29,193,478, C>T on the plus strand (G>A on the coding strand, the complement: ALK is on the minus strand). VCF-style: chr2-29193478-C-T. GRCh37 (hg19) VCF-style: chr2-29416344-C-T.
Other names: c.1405G>A, p.Gly469Arg (NM_001353765.2); short protein forms G1537R, G469R.
Identifiers: ClinVar variation 3223909 (VCV003223909.1), dbSNP rs958335893, ClinGen allele CA44634810.

ClinVar aggregate classification (germline): Uncertain significance (1 of 4 stars; one submission).

Conditions:
Hereditary cancer-predisposing syndrome. Also called: Tumor predisposition; Hereditary neoplastic syndrome; Hereditary Cancer Syndrome; Neoplastic Syndromes, Hereditary. Identifiers: Orphanet 140162, MedGen C0027672, MeSH D009386, MONDO:0015356.

Allele frequency attached by ClinVar (database versions not stated): gnomAD exomes below 0.00001.
gnomAD v4.1: 4 of 1,614,188 alleles (0.00025%); highest among the groups gnomAD compares: Admixed American, 0.0017%; no homozygotes.

Submission:

Ambry Genetics
Classification: Uncertain significance for Hereditary cancer-predisposing syndrome. Last evaluated: 2023-12-29. Review status: criteria provided, single submitter. Criteria: Ambry Variant Classification Scheme 2023. Collection method: clinical testing. Allele origin: germline.
Comment: The p.G1537R variant (also known as c.4609G>A), located in coding exon 29 of the ALK gene, results from a G to A substitution at nucleotide position 4609. The glycine at codon 1537 is replaced by arginine, an amino acid with dissimilar properties. This amino acid position is conserved. In addition, this alteration is predicted to be tolerated by in silico analysis. Since supporting evidence is limited at this time, the clinical significance of this alteration remains unclear.